The following is an entry in ClinVar:

ClinVar aggregate classification (germline): Likely benign (0 of 4 stars; one submission).

Conditions:
PEX5-related disorder. Also called: PEX5-Related Disorders; PEX5-related condition.

gnomAD v4.1: 2 of 1,612,364 alleles (0.00012%); highest among the groups gnomAD compares: Non-Finnish European, 0.00017%; no homozygotes.

Submission:

PreventionGenetics, part of Exact Sciences
Classification: Likely benign for PEX5-related condition. Last evaluated: 2020-02-26. Review status: no assertion criteria provided. Collection method: clinical testing. Allele origin: germline.
Comment: This variant is classified as likely benign based on ACMG/AMP sequence variant interpretation guidelines (Richards et al. 2015 PMID: 25741868, with internal and published modifications).

NM_001351132.2(PEX5):c.448+10G>C

Gene: PEX5 (peroxisomal biogenesis factor 5; plus strand). Cytogenetic location: 12p13.31.
Variant type: single nucleotide variant.
Coding change: c.448+10G>C on transcript NM_001351132.2 (MANE Select); 10 bases into the intron after coding-DNA position 448, G replaced by C.
Molecular consequence: intron variant.
Genome position (GRCh38, 1-based): chr12:7,191,710, G>C. VCF-style: chr12-7191710-G-C. GRCh37 (hg19) VCF-style: chr12-7344306-G-C.
Other names: c.448+10G>C (NM_001351124.3, NM_001131026.2, NM_001351131.2 and 19 more transcripts); c.493+10G>C (NM_001351135.3, NM_001131023.2, NM_001351138.2).
Identifiers: ClinVar variation 3052049 (VCV003052049.2), dbSNP rs941949179, ClinGen allele CA603488616.